The following is an entry in ClinVar:

NM_007294.4(BRCA1):c.4070A>G (p.Glu1357Gly)

Genes: BRCA1 (BRCA1 DNA repair associated; minus strand), LOC126862571 (BRD4-independent group 4 enhancer GRCh37_chr17:41243136-41244335; plus strand). Cytogenetic location: 17q21.31.
Variant type: single nucleotide variant.
Coding change: c.4070A>G on transcript NM_007294.4 (MANE Select); coding-DNA position 4070, A replaced by G.
Protein change: p.Glu1357Gly; replaces glutamic acid 1357 with glycine.
Molecular consequence: missense variant. On other transcripts: intron variant (135).
Genome position (GRCh38, 1-based): chr17:43,091,461, T>C on the plus strand (A>G on the coding strand, the complement: BRCA1 is on the minus strand). VCF-style: chr17-43091461-T-C. GRCh37 (hg19) VCF-style: chr17-41243478-T-C.
Other names: c.3857A>G, p.Glu1286Gly (NM_001407571.1, NM_001407853.1, NM_001407894.1 and 9 more transcripts); c.4070A>G, p.Glu1357Gly (NM_001407581.1, NM_001407582.1, NM_001407583.1 and 30 more transcripts); c.4067A>G, p.Glu1356Gly (NM_001407587.1, NM_001407590.1, NM_001407591.1 and 22 more transcripts); c.4061A>G, p.Glu1354Gly (NM_001407646.1, NM_001407647.1); c.3947A>G, p.Glu1316Gly (NM_001407648.1, NM_001407664.1, NM_001407665.1 and 19 more transcripts); c.3944A>G, p.Glu1315Gly (NM_001407649.1, NM_001407670.1, NM_001407671.1 and 11 more transcripts); c.3992A>G, p.Glu1331Gly (NM_001407653.1, NM_001407654.1, NM_001407655.1 and 4 more transcripts); c.3989A>G, p.Glu1330Gly (NM_001407659.1, NM_001407660.1, NM_001407661.1 and 1 more transcripts); and 41 more; short protein forms E1245G, E1246G, E1309G, E1061G, E1268G, E1286G, E1289G, E1290G.
Identifiers: ClinVar variation 3684896 (VCV003684896.2).

ClinVar aggregate classification (germline): Uncertain significance (1 of 4 stars; one submission).

Conditions:
Hereditary breast ovarian cancer syndrome. Also called: Hereditary breast and ovarian cancer syndrome (HBOC); BRCA1- and BRCA2-Associated Hereditary Breast and Ovarian Cancer; Breast and ovarian cancer; Hereditary breast and ovarian cancer; Hereditary breast and ovarian cancer syndrome; Hereditary breast and/or ovarian cancer syndrome. Identifiers: Orphanet 145, MedGen C0677776, MeSH D061325, MONDO:0003582. Disease mechanism: loss of function.

Submission:

Labcorp Genetics (formerly Invitae), Labcorp
Classification: Uncertain significance for Hereditary breast ovarian cancer syndrome. Last evaluated: 2025-01-14. Review status: criteria provided, single submitter. Criteria: Invitae Variant Classification Sherloc (09022015). Collection method: clinical testing. Allele origin: germline.
Comment: This sequence change replaces glutamic acid, which is acidic and polar, with glycine, which is neutral and non-polar, at codon 1357 of the BRCA1 protein (p.Glu1357Gly). This variant is not present in population databases (gnomAD no frequency). This variant has not been reported in the literature in individuals affected with BRCA1-related conditions. Invitae Evidence Modeling of protein sequence and biophysical properties (such as structural, functional, and spatial information, amino acid conservation, physicochemical variation, residue mobility, and thermodynamic stability) indicates that this missense variant is not expected to disrupt BRCA1 protein function with a negative predictive value of 80%. In summary, the available evidence is currently insufficient to determine the role of this variant in disease. Therefore, it has been classified as a Variant of Uncertain Significance.